The following is an entry in ClinVar:

NM_001065.4(TNFRSF1A):c.1247C>T (p.Ala416Val)

Gene: TNFRSF1A (TNF receptor superfamily member 1A; minus strand). Cytogenetic location: 12p13.31.
Variant type: single nucleotide variant.
Coding change: c.1247C>T on transcript NM_001065.4 (MANE Select); coding-DNA position 1247, C replaced by T.
Protein change: p.Ala416Val; replaces alanine 416 with valine.
Molecular consequence: missense variant. On other transcripts: non-coding transcript variant (1).
Genome position (GRCh38, 1-based): chr12:6,329,433, G>A on the plus strand (C>T on the coding strand, the complement: TNFRSF1A is on the minus strand). VCF-style: chr12-6329433-G-A. GRCh37 (hg19) VCF-style: chr12-6438599-G-A.
Other names: c.923C>T, p.Ala308Val (NM_001346091.2); c.788C>T, p.Ala263Val (NM_001346092.2); short protein forms A416V, A263V, A308V.
Identifiers: ClinVar variation 1515810 (VCV001515810.8), dbSNP rs1350150713, ClinGen allele CA383544670.

ClinVar aggregate classification (germline): Uncertain significance (1 of 4 stars; one submission).

Conditions:
TNF receptor-associated periodic fever syndrome (TRAPS) (FPF). Also called: TNF Receptor-Associated Periodic Fever Syndrome; TNF receptor 1-associated periodic fever syndrome; FAMILIAL HIBERNIAN FEVER; TNF RECEPTOR-ASSOCIATED PERIODIC SYNDROME; TUMOR NECROSIS FACTOR RECEPTOR-ASSOCIATED PERIODIC SYNDROME; Autosomal Dominant Familial Periodic Fever. Identifiers: Orphanet 32960, MedGen C1275126, MONDO:0007727, OMIM 142680.

Submission:

Labcorp Genetics (formerly Invitae), Labcorp
Classification: Uncertain significance for TNF receptor-associated periodic fever syndrome (TRAPS). Last evaluated: 2025-06-27. Review status: criteria provided, single submitter. Criteria: Invitae Variant Classification Sherloc (09022015). Collection method: clinical testing. Allele origin: germline.
Comment: This sequence change replaces alanine, which is neutral and non-polar, with valine, which is neutral and non-polar, at codon 416 of the TNFRSF1A protein (p.Ala416Val). This variant is not present in population databases (gnomAD no frequency). This variant has not been reported in the literature in individuals affected with TNFRSF1A-related conditions. ClinVar contains an entry for this variant (Variation ID: 1515810). Invitae Evidence Modeling of protein sequence and biophysical properties (such as structural, functional, and spatial information, amino acid conservation, physicochemical variation, residue mobility, and thermodynamic stability) indicates that this missense variant is expected to disrupt TNFRSF1A protein function with a positive predictive value of 95%. In summary, the available evidence is currently insufficient to determine the role of this variant in disease. Therefore, it has been classified as a Variant of Uncertain Significance.